The following is an entry in ClinVar:

NM_001384140.1(PCDH15):c.630G>T (p.Leu210Phe)

Gene: PCDH15 (protocadherin related 15; minus strand). Cytogenetic location: 10q21.1.
Variant type: single nucleotide variant.
Coding change: c.630G>T on transcript NM_001384140.1 (MANE Select); coding-DNA position 630, G replaced by T.
Protein change: p.Leu210Phe; replaces leucine 210 with phenylalanine.
Molecular consequence: missense variant. On other transcripts: intron variant (1).
Genome position (GRCh38, 1-based): chr10:54,329,671, C>A on the plus strand (G>T on the coding strand, the complement: PCDH15 is on the minus strand). VCF-style: chr10-54329671-C-A. GRCh37 (hg19) VCF-style: chr10-56089431-C-A.
Other names: c.645G>T, p.Leu215Phe (NM_001142763.2, NM_001142769.4, NM_001142771.2); c.630G>T, p.Leu210Phe (NM_001142764.2, NM_001142765.2, NM_001142766.2 and 7 more transcripts); c.564G>T, p.Leu188Phe (NM_001142768.2, NM_001142773.2, NM_001354404.2); c.595-12230G>T (NM_001142767.2); short protein forms L188F, L210F, L215F.
Identifiers: ClinVar variation 3393681 (VCV003393681.1).

ClinVar aggregate classification (germline): Uncertain significance (1 of 4 stars; one submission).

gnomAD v4.1: 9 of 1,607,858 alleles (0.00056%); highest among the groups gnomAD compares: East Asian, 0.02%; no homozygotes.

Submission:

GeneDx
Classification: Uncertain significance. Last evaluated: 2024-07-05. Review status: criteria provided, single submitter. Criteria: GeneDx Variant Classification Process June 2021. Collection method: clinical testing. Allele origin: germline. Affected: yes.
Comment: Not observed at significant frequency in large population cohorts (gnomAD); In silico analysis supports that this missense variant has a deleterious effect on protein structure/function; Has not been previously published as pathogenic or benign to our knowledge